The following is an entry in ClinVar:

NM_001388303.1(HECTD4):c.8199C>A (p.Asp2733Glu)

Gene: HECTD4 (HECT domain E3 ubiquitin protein ligase 4; minus strand). Cytogenetic location: 12q24.13.
Variant type: single nucleotide variant.
Coding change: c.8199C>A on transcript NM_001388303.1 (MANE Select); coding-DNA position 8199, C replaced by A.
Protein change: p.Asp2733Glu; replaces aspartic acid 2733 with glutamic acid.
Molecular consequence: missense variant.
Genome position (GRCh38, 1-based): chr12:112,204,556, G>T on the plus strand (C>A on the coding strand, the complement: HECTD4 is on the minus strand). VCF-style: chr12-112204556-G-T. GRCh37 (hg19) VCF-style: chr12-112642360-G-T.
Other names: c.8229C>A, p.Asp2743Glu (NM_001109662.4); short protein forms D2733E, D2743E.
Identifiers: ClinVar variation 3680425 (VCV003680425.2).

ClinVar aggregate classification (germline): Uncertain significance (1 of 4 stars; one submission).

gnomAD v4.1: 7 of 1,613,052 alleles (0.00043%); highest among the groups gnomAD compares: African/African-American, 0.008%; no homozygotes.

Submission:

Labcorp Genetics (formerly Invitae), Labcorp
Classification: Uncertain significance. Last evaluated: 2024-04-25. Review status: criteria provided, single submitter. Criteria: Invitae Variant Classification Sherloc (09022015). Collection method: clinical testing. Allele origin: germline.
Comment: This sequence change replaces aspartic acid, which is acidic and polar, with glutamic acid, which is acidic and polar, at codon 2599 of the HECTD4 protein (p.Asp2599Glu). This variant is present in population databases (rs376713187, gnomAD 0.01%). This variant has not been reported in the literature in individuals affected with HECTD4-related conditions. Experimental studies and prediction algorithms are not available or were not evaluated, and the functional significance of this variant is currently unknown. In summary, the available evidence is currently insufficient to determine the role of this variant in disease. Therefore, it has been classified as a Variant of Uncertain Significance.